The following is an entry in ClinVar:

NM_005566.4(LDHA):c.126G>A (p.Lys42=)

Gene: LDHA (lactate dehydrogenase A; plus strand). Cytogenetic location: 11p15.1.
Variant type: single nucleotide variant.
Coding change: c.126G>A on transcript NM_005566.4 (MANE Select); coding-DNA position 126, G replaced by A.
Protein change: p.Lys42=; no amino-acid change (lysine 42 retained).
Molecular consequence: synonymous variant. On other transcripts: non-coding transcript variant (1).
Genome position (GRCh38, 1-based): chr11:18,396,968, G>A. VCF-style: chr11-18396968-G-A. GRCh37 (hg19) VCF-style: chr11-18418515-G-A.
Other names: c.126G>A, p.Lys42= (NM_001135239.2, NM_001165415.2, NM_001165416.2); c.213G>A, p.Lys71= (NM_001165414.2).
Identifiers: ClinVar variation 2061549 (VCV002061549.3), dbSNP rs148761066, ClinGen allele CA5911183.

ClinVar aggregate classification (germline): Uncertain significance (1 of 4 stars; one submission).

Conditions:
Glycogen storage disease due to lactate dehydrogenase M-subunit deficiency (GSD11). Also called: Glycogen storage disease XI; GSD XI; LACTATE DEHYDROGENASE A DEFICIENCY. Identifiers: Orphanet 284426, MedGen C2931743, MONDO:0013047, OMIM 612933.

Allele frequency attached by ClinVar (database versions not stated): gnomAD exomes 0.00001; ExAC 0.00002; gnomAD 0.00008; TOPMed 0.00014.
gnomAD v4.1: 29 of 1,613,888 alleles (0.0018%); highest among the groups gnomAD compares: African/African-American, 0.021%; no homozygotes.

Submission:

Labcorp Genetics (formerly Invitae), Labcorp
Classification: Uncertain significance for Glycogen storage disease due to lactate dehydrogenase M-subunit deficiency. Last evaluated: 2024-10-28. Review status: criteria provided, single submitter. Criteria: Invitae Variant Classification Sherloc (09022015). Collection method: clinical testing. Allele origin: germline.
Comment: This sequence change affects codon 42 of the LDHA mRNA. It is a 'silent' change, meaning that it does not change the encoded amino acid sequence of the LDHA protein. This variant also falls at the last nucleotide of exon 2, which is part of the consensus splice site for this exon. This variant is present in population databases (rs148761066, gnomAD 0.03%). This variant has not been reported in the literature in individuals affected with LDHA-related conditions. ClinVar contains an entry for this variant (Variation ID: 2061549). Variants that disrupt the consensus splice site are a relatively common cause of aberrant splicing (PMID: 17576681, 9536098). Algorithms developed to predict the effect of sequence changes on RNA splicing suggest that this variant is not likely to affect RNA splicing. In summary, the available evidence is currently insufficient to determine the role of this variant in disease. Therefore, it has been classified as a Variant of Uncertain Significance.

Literature cited by the submitters: PubMed 17576681; PubMed 9536098.